The following is an entry in ClinVar:

NM_001034853.2(RPGR):c.1019C>A (p.Pro340His)

Gene: RPGR (retinitis pigmentosa GTPase regulator; minus strand). Cytogenetic location: Xp11.4.
Variant type: single nucleotide variant.
Coding change: c.1019C>A on transcript NM_001034853.2 (MANE Select); coding-DNA position 1019, C replaced by A.
Protein change: p.Pro340His; replaces proline 340 with histidine.
Molecular consequence: missense variant. On other transcripts: non-coding transcript variant (6).
Genome position (GRCh38, 1-based): chrX:38,301,287, G>T on the plus strand (C>A on the coding strand, the complement: RPGR is on the minus strand). VCF-style: chrX-38301287-G-T. GRCh37 (hg19) VCF-style: chrX-38160540-G-T.
Other names: c.1019C>A, p.Pro340His (NM_000328.3, NM_001367246.1, NM_001367247.1 and 1 more transcripts); c.1016C>A, p.Pro339His (NM_001367245.1, NM_001367249.1, NM_001367250.1); c.1049C>A, p.Pro350His (NM_001367248.1); short protein forms P339H, P350H, P340H.
Identifiers: ClinVar variation 2079200 (VCV002079200.4), dbSNP rs2519836268, ClinGen allele CA412740195.

ClinVar aggregate classification (germline): Uncertain significance (1 of 4 stars; one submission).

Conditions:
Primary ciliary dyskinesia. Also called: Ciliary dyskinesia. Identifiers: Orphanet 244, MedGen C0008780, MONDO:0016575, HP:0012265.

Submission:

Labcorp Genetics (formerly Invitae), Labcorp
Classification: Uncertain significance for Primary ciliary dyskinesia. Last evaluated: 2022-04-29. Review status: criteria provided, single submitter. Criteria: Invitae Variant Classification Sherloc (09022015). Collection method: clinical testing. Allele origin: germline.
Comment: This variant is not present in population databases (gnomAD no frequency). This variant has not been reported in the literature in individuals affected with RPGR-related conditions. Algorithms developed to predict the effect of missense changes on protein structure and function are either unavailable or do not agree on the potential impact of this missense change (SIFT: "Deleterious"; PolyPhen-2: "Probably Damaging"; Align-GVGD: "Class C0"). In summary, the available evidence is currently insufficient to determine the role of this variant in disease. Therefore, it has been classified as a Variant of Uncertain Significance. This sequence change replaces proline, which is neutral and non-polar, with histidine, which is basic and polar, at codon 340 of the RPGR protein (p.Pro340His).